The following is an entry in ClinVar:

NM_006096.4(NDRG1):c.595-6A>G

Gene: NDRG1 (N-myc downstream regulated 1; minus strand). Cytogenetic location: 8q24.22.
Variant type: single nucleotide variant.
Coding change: c.595-6A>G on transcript NM_006096.4 (MANE Select); 6 bases into the intron before coding-DNA position 595, A replaced by G.
Molecular consequence: intron variant.
Genome position (GRCh38, 1-based): chr8:133,250,549, T>C on the plus strand (A>G on the coding strand, the complement: NDRG1 is on the minus strand). VCF-style: chr8-133250549-T-C. GRCh37 (hg19) VCF-style: chr8-134262792-T-C.
Other names: c.646-6A>G (NM_001374844.1); c.595-6A>G (NM_001135242.2, NM_001374845.1, NM_001374846.1); c.397-6A>G (NM_001258432.2, NM_001374847.1); c.352-6A>G (NM_001258433.2).
Identifiers: ClinVar variation 447749 (VCV000447749.6), dbSNP rs1554749794, ClinGen allele CA658657831.

ClinVar aggregate classification (germline): Uncertain significance. Review status: criteria provided, multiple submitters, no conflicts (2 of 4 stars). 2 submissions from 2 submitters: Uncertain significance (2). Last evaluated 2021-08-31.

Conditions:
Charcot-Marie-Tooth disease type 4. Also called: Charcot-Marie-Tooth disease, type IV; Charcot-Marie-Tooth, Type 4. Identifiers: Orphanet 64749, MedGen C4082197, MONDO:0018995.

Submissions (2):

Labcorp Genetics (formerly Invitae), Labcorp
Classification: Uncertain significance for Charcot-Marie-Tooth disease type 4. Last evaluated: 2021-08-31. Review status: criteria provided, single submitter. Criteria: Invitae Variant Classification Sherloc (09022015). Collection method: clinical testing. Allele origin: germline.
Comment: This sequence change falls in intron 9 of the NDRG1 gene. It does not directly change the encoded amino acid sequence of the NDRG1 protein. This variant is not present in population databases (ExAC no frequency). This variant has not been reported in the literature in individuals affected with NDRG1-related conditions. Algorithms developed to predict the effect of sequence changes on RNA splicing suggest that this variant may disrupt the consensus splice site. In summary, the available evidence is currently insufficient to determine the role of this variant in disease. Therefore, it has been classified as a Variant of Uncertain Significance.

Athena Diagnostics
Classification: Uncertain significance. Last evaluated: 2017-03-30. Review status: criteria provided, single submitter. Criteria: Athena Diagnostics Criteria. Collection method: clinical testing. Allele origin: germline.